The following is an entry in ClinVar:

ClinVar aggregate classification (germline): Uncertain significance. Review status: criteria provided, multiple submitters, no conflicts (2 of 4 stars). 4 submissions from 4 submitters: Uncertain significance (3). 1 of the submissions does not count toward it. Last evaluated 2025-02-11.

Conditions:
Inborn genetic diseases. Identifiers: MedGen C0950123, MeSH D030342.
MHC class II deficiency. Also called: BLS, TYPE II; Bare lymphocyte syndrome 2. Identifiers: Orphanet 572, MedGen C5447452, MONDO:0008855.

Allele frequency attached by ClinVar (database versions not stated): gnomAD exomes below 0.00001 and 0.00001; ExAC 0.00001; gnomAD 0.00001; 1000 Genomes Project 30x 0.00016; 1000 Genomes Project 0.00020.
gnomAD v4.1: 8 of 1,613,592 alleles (0.0005%); highest among the groups gnomAD compares: East Asian, 0.011%; no homozygotes.

Submissions (4):

Ambry Genetics
Classification: Uncertain significance for Inborn genetic diseases. Last evaluated: 2025-02-11. Review status: criteria provided, single submitter. Criteria: Ambry Variant Classification Scheme 2023. Collection method: clinical testing. Allele origin: germline.

Blueprint Genetics
Classification: Uncertain significance. Last evaluated: 2022-12-28. Review status: criteria provided, single submitter. Criteria: ACMG Guidelines, 2015. Collection method: clinical testing. Allele origin: germline.

Labcorp Genetics (formerly Invitae), Labcorp
Classification: Uncertain significance for MHC class II deficiency. Last evaluated: 2021-08-30. Review status: criteria provided, single submitter. Criteria: Invitae Variant Classification Sherloc (09022015). Collection method: clinical testing. Allele origin: germline.
Comment: This sequence change replaces valine with alanine at codon 366 of the CIITA protein (p.Val366Ala). The valine residue is moderately conserved and there is a small physicochemical difference between valine and alanine. This variant is present in population databases (rs539096456, ExAC 0.01%). This variant has not been reported in the literature in individuals affected with CIITA-related conditions. Algorithms developed to predict the effect of missense changes on protein structure and function are either unavailable or do not agree on the potential impact of this missense change (SIFT: "Deleterious"; PolyPhen-2: "Benign"; Align-GVGD: "Class C0"). In summary, the available evidence is currently insufficient to determine the role of this variant in disease. Therefore, it has been classified as a Variant of Uncertain Significance.

Natera, Inc.
Classification: Uncertain significance for Bare lymphocyte syndrome type II. Last evaluated: 2020-04-24. Review status: no assertion criteria provided. Collection method: clinical testing. Allele origin: germline. Not counted in ClinVar's aggregate classification.

NM_000246.4(CIITA):c.1097T>C (p.Val366Ala)

Gene: CIITA (class II major histocompatibility complex transactivator; plus strand). Cytogenetic location: 16p13.13.
Variant type: single nucleotide variant.
Coding change: c.1097T>C on transcript NM_000246.4 (MANE Select); coding-DNA position 1097, T replaced by C.
Protein change: p.Val366Ala; replaces valine 366 with alanine.
Molecular consequence: missense variant. On other transcripts: intron variant (1).
Genome position (GRCh38, 1-based): chr16:10,906,589, T>C. VCF-style: chr16-10906589-T-C. GRCh37 (hg19) VCF-style: chr16-11000446-T-C.
Other names: c.1100T>C, p.Val367Ala (NM_001286402.1, NM_001379332.1); c.953T>C, p.Val318Ala (NM_001379330.1); c.950T>C, p.Val317Ala (NM_001379331.1); c.1097T>C, p.Val366Ala (NM_001379333.1); c.1028T>C, p.Val343Ala (NM_001379334.1); c.859+1777T>C (NM_001286403.2); short protein forms V317A, V318A, V343A, V366A, V367A.
Identifiers: ClinVar variation 991986 (VCV000991986.5), dbSNP rs539096456, ClinGen allele CA7900054.